The following is an entry in ClinVar:

NM_025114.4(CEP290):c.6245C>T (p.Ala2082Val)

Gene: CEP290 (centrosomal protein 290; minus strand). Cytogenetic location: 12q21.32.
Variant type: single nucleotide variant.
Coding change: c.6245C>T on transcript NM_025114.4 (MANE Select); coding-DNA position 6245, C replaced by T.
Protein change: p.Ala2082Val; replaces alanine 2082 with valine.
Molecular consequence: missense variant.
Genome position (GRCh38, 1-based): chr12:88,064,006, G>A on the plus strand (C>T on the coding strand, the complement: CEP290 is on the minus strand). VCF-style: chr12-88064006-G-A. GRCh37 (hg19) VCF-style: chr12-88457783-G-A.
Other names: short protein forms A2082V.
Identifiers: ClinVar variation 1308844 (VCV001308844.2), dbSNP rs767592034, ClinGen allele CA6711546.

ClinVar aggregate classification (germline): Uncertain significance (1 of 4 stars; one submission).

Allele frequency attached by ClinVar (database versions not stated): ExAC 0.00001.
gnomAD v4.1: 1 of 1,597,164 alleles (0.000063%); highest among the groups gnomAD compares: African/African-American, 0.0013%; no homozygotes.

Submission:

GeneDx
Classification: Uncertain significance. Last evaluated: 2019-10-04. Review status: criteria provided, single submitter. Criteria: GeneDx Variant Classification Process June 2021. Collection method: clinical testing. Allele origin: germline. Affected: yes.
Comment: Not observed at a significant frequency in large population cohorts (Lek et al., 2016); In silico analysis, which includes protein predictors and evolutionary conservation, supports that this variant does not alter protein structure/function; Has not been previously published as pathogenic or benign to our knowledge